The following is an entry in ClinVar:

NM_058195.4(CDKN2A):c.176C>T (p.Pro59Leu)

Gene: CDKN2A (cyclin dependent kinase inhibitor 2A; minus strand). Cytogenetic location: 9p21.3.
Variant type: single nucleotide variant.
Coding change: c.176C>T on transcript NM_058195.4 (MANE Plus Clinical); coding-DNA position 176, C replaced by T.
Protein change: p.Pro59Leu; replaces proline 59 with leucine.
Molecular consequence: missense variant. On other transcripts: intron variant (1).
Genome position (GRCh38, 1-based): chr9:21,994,156, G>A on the plus strand (C>T on the coding strand, the complement: CDKN2A is on the minus strand). VCF-style: chr9-21994156-G-A. GRCh37 (hg19) VCF-style: chr9-21994155-G-A.
Other names: c.-4+665C>T (NM_001363763.2); short protein forms P59L.
Identifiers: ClinVar variation 965403 (VCV000965403.6), dbSNP rs1477583857, ClinGen allele CA373086794.

ClinVar aggregate classification (germline): Uncertain significance. Review status: criteria provided, multiple submitters, no conflicts (2 of 4 stars). 2 submissions from 2 submitters: Uncertain significance (2). Last evaluated 2023-12-05.

Conditions:
Hereditary cancer-predisposing syndrome. Also called: Tumor predisposition; Neoplastic Syndromes, Hereditary; Hereditary neoplastic syndrome; Hereditary Cancer Syndrome. Identifiers: Orphanet 140162, MedGen C0027672, MeSH D009386, MONDO:0015356.
Familial melanoma. Also called: Hereditary melanoma; Hereditary cutaneous melanoma. Identifiers: Orphanet 618, MedGen C1512419, MONDO:0018961.

Allele frequency attached by ClinVar (database versions not stated): TOPMed 0.00001.

Submissions (2):

Ambry Genetics
Classification: Uncertain significance for Hereditary cancer-predisposing syndrome. Last evaluated: 2023-12-05. Review status: criteria provided, single submitter. Criteria: Ambry Variant Classification Scheme 2023. Collection method: clinical testing. Allele origin: germline.
Comment: The p.P59L variant (also known as c.176C>T), located in coding exon 1 of the CDKN2A (p14ARF) gene, results from a C to T substitution at nucleotide position 176. The proline at codon 59 is replaced by leucine, an amino acid with similar properties. This amino acid position is well conserved in available vertebrate species. In addition, this alteration is predicted to be tolerated by in silico analysis. Since supporting evidence is limited at this time, the clinical significance of this alteration remains unclear.

Labcorp Genetics (formerly Invitae), Labcorp
Classification: Uncertain significance for Familial melanoma. Last evaluated: 2021-12-02. Review status: criteria provided, single submitter. Criteria: Invitae Variant Classification Sherloc (09022015). Collection method: clinical testing. Allele origin: germline.
Comment: This sequence change replaces proline, which is neutral and non-polar, with leucine, which is neutral and non-polar, at codon 59 of the CDKN2A (p14ARF) protein (p.Pro59Leu). This variant is not present in population databases (gnomAD no frequency). This variant has not been reported in the literature in individuals affected with CDKN2A (p14ARF)-related conditions. ClinVar contains an entry for this variant (Variation ID: 965403). Algorithms developed to predict the effect of missense changes on protein structure and function output the following: SIFT: "Tolerated"; PolyPhen-2: "Probably Damaging"; Align-GVGD: "Class C0". The leucine amino acid residue is found in multiple mammalian species, which suggests that this missense change does not adversely affect protein function. In summary, the available evidence is currently insufficient to determine the role of this variant in disease. Therefore, it has been classified as a Variant of Uncertain Significance.